The following is an entry in ClinVar:

ClinVar aggregate classification (germline): Benign/Likely benign. Review status: criteria provided, multiple submitters, no conflicts (2 of 4 stars). 6 submissions from 6 submitters: Benign (1); Likely benign (5). Last evaluated 2026-05-22.

Conditions:
Cardiovascular phenotype. Identifiers: MedGen CN230736.
Hereditary cancer-predisposing syndrome. Also called: Neoplastic Syndromes, Hereditary; Tumor predisposition; Hereditary Cancer Syndrome; Hereditary neoplastic syndrome. Identifiers: Orphanet 140162, MedGen C0027672, MeSH D009386, MONDO:0015356.
Neurofibromatosis, type 1 (NF1). Also called: VON RECKLINGHAUSEN DISEASE; NEUROFIBROMATOSIS, TYPE I, SOMATIC; Peripheral type neurofibromatosis; Neurofibromatosis, type I. Identifiers: Orphanet 636, MedGen C0027831, MONDO:0018975, OMIM 162200. Disease mechanism: loss of function.

Allele frequency attached by ClinVar (database versions not stated): gnomAD exomes below 0.00001; ExAC 0.00001; gnomAD 0.00001.
gnomAD v4.1: 4 of 1,613,888 alleles (0.00025%); highest among the groups gnomAD compares: Admixed American, 0.0017%; no homozygotes.

Submissions (6):

Myriad Genetics, Inc.
Classification: Benign for Neurofibromatosis, type 1. Last evaluated: 2026-05-22. Review status: criteria provided, single submitter. Criteria: Myriad Autosomal Dominant, Autosomal Recessive and X-Linked Classification Criteria (2023). Collection method: clinical testing. Allele origin: unknown.
Comment: This variant is considered benign. This variant is a silent/synonymous amino acid change and it is not expected to impact splicing.

Mayo Clinic Laboratories, Mayo Clinic
Classification: Likely benign. Last evaluated: 2025-09-23. Review status: criteria provided, single submitter. Criteria: ACMG Guidelines, 2015. Collection method: clinical testing. Allele origin: germline. Observed: 1 variant allele.
Comment: BP4, BP7

Labcorp Genetics (formerly Invitae), Labcorp
Classification: Likely benign for Neurofibromatosis, type 1. Last evaluated: 2025-06-05. Review status: criteria provided, single submitter. Criteria: Invitae Variant Classification Sherloc (09022015). Collection method: clinical testing. Allele origin: germline.

Genome-Nilou Lab
Classification: Likely benign for Neurofibromatosis, type 1. Last evaluated: 2022-03-15. Review status: criteria provided, single submitter. Criteria: ACMG Guidelines, 2015. Collection method: clinical testing. Allele origin: germline. Affected: no.

Blueprint Genetics
Classification: Likely benign. Last evaluated: 2020-12-21. Review status: criteria provided, single submitter. Criteria: ACMG Guidelines, 2015. Collection method: clinical testing. Allele origin: germline.

Ambry Genetics
Classification: Likely benign for Cardiovascular phenotype; Hereditary cancer-predisposing syndrome. Last evaluated: 2017-01-06. Review status: criteria provided, single submitter. Criteria: Ambry Variant Classification Scheme 2023. Collection method: clinical testing. Allele origin: germline.

NM_001042492.3(NF1):c.7887T>C (p.Tyr2629=)

Gene: NF1 (neurofibromin 1; plus strand). Cytogenetic location: 17q11.2.
Variant type: single nucleotide variant.
Coding change: c.7887T>C on transcript NM_001042492.3 (MANE Select); coding-DNA position 7887, T replaced by C.
Protein change: p.Tyr2629=; no amino-acid change (tyrosine 2629 retained).
Molecular consequence: synonymous variant.
Genome position (GRCh38, 1-based): chr17:31,357,286, T>C. VCF-style: chr17-31357286-T-C. GRCh37 (hg19) VCF-style: chr17-29684304-T-C.
Other names: p.Tyr2608=; c.7824T>C, p.Tyr2608= (NM_000267.4).
Identifiers: ClinVar variation 413009 (VCV000413009.18), dbSNP rs767860040, ClinGen allele CA8487690.
Genomic context (GRCh38, chr17:31,357,286, plus strand): 5'-CAAAGTAAAAATGTTGTGTGTTTACTTTTTTGCATCTTGGCAGGCTACACTGGTAAAATA[T>C]ACCACAGATGAGTTTGATCAACGAATTCTTTATGAATACTTAGCAGAGGCCAGTGTTGTG-3'
Protein context (NP_001035957.1, residues 2619-2639): LLTVLATLVK[Tyr2629=]TTDEFDQRIL